The following is an entry in ClinVar:

ClinVar aggregate classification (germline): Uncertain significance. Review status: criteria provided, multiple submitters, no conflicts (2 of 4 stars). 4 submissions from 4 submitters: Uncertain significance (4). Last evaluated 2026-01-18.

Conditions:
Hereditary cancer-predisposing syndrome. Also called: Neoplastic Syndromes, Hereditary; Tumor predisposition; Hereditary Cancer Syndrome; Hereditary neoplastic syndrome. Identifiers: Orphanet 140162, MedGen C0027672, MeSH D009386, MONDO:0015356.

Allele frequency attached by ClinVar (database versions not stated): gnomAD 0.00001; gnomAD exomes 0.00001; ExAC 0.00002; TOPMed 0.00002; ESP Exome Variant Server 0.00008.
gnomAD v4.1: 5 of 1,613,820 alleles (0.00031%); highest among the groups gnomAD compares: African/African-American, 0.0013%; no homozygotes.

Submissions (4):

Labcorp Genetics (formerly Invitae), Labcorp
Classification: Uncertain significance. Last evaluated: 2026-01-18. Review status: criteria provided, single submitter. Criteria: Invitae Variant Classification Sherloc (09022015). Collection method: clinical testing. Allele origin: germline.
Comment: This sequence change replaces arginine, which is basic and polar, with cysteine, which is neutral and slightly polar, at codon 2131 of the POLE protein (p.Arg2131Cys). This variant is present in population databases (rs369748519, gnomAD 0.007%). This variant has not been reported in the literature in individuals affected with POLE-related conditions. ClinVar contains an entry for this variant (Variation ID: 473800). Invitae Evidence Modeling of protein sequence and biophysical properties (such as structural, functional, and spatial information, amino acid conservation, physicochemical variation, residue mobility, and thermodynamic stability) has been performed for this missense variant. However, the output from this modeling did not meet the statistical confidence thresholds required to predict the impact of this variant on POLE protein function. In summary, the available evidence is currently insufficient to determine the role of this variant in disease. Therefore, it has been classified as a Variant of Uncertain Significance.

Ambry Genetics
Classification: Uncertain significance for Hereditary cancer-predisposing syndrome. Last evaluated: 2025-06-19. Review status: criteria provided, single submitter. Criteria: Ambry Variant Classification Scheme 2023. Collection method: clinical testing. Allele origin: germline.
Comment: The p.R2131C variant (also known as c.6391C>T), located in coding exon 46 of the POLE gene, results from a C to T substitution at nucleotide position 6391. The arginine at codon 2131 is replaced by cysteine, an amino acid with highly dissimilar properties. This amino acid position is highly conserved in available vertebrate species. In addition, this alteration is predicted to be deleterious by in silico analysis. Based on the available evidence, the clinical significance of this variant remains unclear.

GeneDx
Classification: Uncertain significance. Last evaluated: 2024-09-24. Review status: criteria provided, single submitter. Criteria: GeneDx Variant Classification Process June 2021. Collection method: clinical testing. Allele origin: germline. Affected: yes.
Comment: Not observed at significant frequency in large population cohorts (gnomAD); In silico analysis supports that this missense variant has a deleterious effect on protein structure/function; Has not been previously published as pathogenic or benign to our knowledge; This variant is associated with the following publications: (PMID: 30935717, 34954471, 38201563)

Quest Diagnostics Nichols Institute San Juan Capistrano
Classification: Uncertain significance. Last evaluated: 2018-03-29. Review status: criteria provided, single submitter. Criteria: Quest Diagnostics criteria. Collection method: clinical testing. Allele origin: germline.

NM_006231.4(POLE):c.6391C>T (p.Arg2131Cys)

Gene: POLE (DNA polymerase epsilon, catalytic subunit; minus strand). Cytogenetic location: 12q24.33.
Variant type: single nucleotide variant.
Coding change: c.6391C>T on transcript NM_006231.4 (MANE Select); coding-DNA position 6391, C replaced by T.
Protein change: p.Arg2131Cys; replaces arginine 2131 with cysteine.
Molecular consequence: missense variant.
Genome position (GRCh38, 1-based): chr12:132,626,257, G>A on the plus strand (C>T on the coding strand, the complement: POLE is on the minus strand). VCF-style: chr12-132626257-G-A. GRCh37 (hg19) VCF-style: chr12-133202843-G-A.
Other names: c.6391C>T (NM_006231.2); short protein forms R2131C.
Identifiers: ClinVar variation 473800 (VCV000473800.14), dbSNP rs369748519, ClinGen allele CA6892188.